The following is an entry in ClinVar:

ClinVar aggregate classification (germline): Likely pathogenic (1 of 4 stars; one submission).

Conditions:
Coffin-Siris syndrome 1 (CSS1). Also called: ARID1B-Related Coffin-Siris Syndrome; Mental retardation, autosomal dominant 12. Identifiers: Orphanet 1465, MedGen C3281201, MONDO:0007617, OMIM 135900. Disease mechanism: gain of function.

Submission:

Juno Genomics, Hangzhou Juno Genomics, Inc
Classification: Likely pathogenic for Coffin-Siris syndrome 1. Review status: criteria provided, single submitter. Criteria: ACMG Guidelines, 2015. Collection method: clinical testing. Allele origin: germline. Affected: yes.
Comment: Absent from controls (or at extremely low frequency if recessive) in Genome Aggregation Database.;De novo (both maternity and paternity confirmed) in a patient with the disease and no family history.;Null variant in a gene where loss of function (LOF) is a known mechanism of disease.

NM_001374828.1(ARID1B):c.5349_5350insTAATT (p.Leu1784Ter)

Gene: ARID1B (AT-rich interaction domain 1B; plus strand). Cytogenetic location: 6q25.3.
Variant type: Insertion.
Coding change: c.5349_5350insTAATT on transcript NM_001374828.1 (MANE Select); coding-DNA positions 5349 to 5350, TAATT inserted.
Protein change: p.Leu1784Ter; replaces leucine 1784 with a stop codon.
Molecular consequence: nonsense.
Genome position: GRCh38 VCF-style: chr6-157203948-T-TATTTA. GRCh37 (hg19) VCF-style: chr6-157525082-T-TATTTA.
Other names: c.2850_2851insTAATT, p.Leu951Ter (NM_001363725.2); c.5229_5230insTAATT, p.Leu1744Ter (NM_001371656.1, NM_001374820.1); c.5478_5479insTAATT, p.Leu1827Ter (NM_001438482.1); c.5391_5392insTAATT, p.Leu1798Ter (NM_001438483.1); c.5259_5260insTAATT, p.Leu1754Ter (NM_001438485.1); c.5232_5233insTAATT, p.Leu1745Ter (NM_001438486.1); c.5169_5170insTAATT, p.Leu1724Ter (NM_001438487.1); c.2691_2692insTAATT, p.Leu898Ter (NM_001438488.1); and 1 more; short protein forms L1724*, L1731*, L1744*, L1745*, L1754*, L1784*, L1798*, L1827*.
Identifiers: ClinVar variation 5020026 (VCV005020026.1).